The following is an entry in ClinVar:

ClinVar aggregate classification (germline): Pathogenic (1 of 4 stars; one submission).

Conditions:
Ellis-van Creveld syndrome (EVC). Also called: EVC-Related Ellis-van Creveld Syndrome; EVC2-Related Ellis-van Creveld Syndrome; Chondroectodermal dysplasia; MESOECTODERMAL DYSPLASIA. Identifiers: Orphanet 289, MedGen C0013903, MONDO:0009162, OMIM 225500.
Curry-Hall syndrome (WAD). Also called: WEYERS ACRODENTAL DYSOSTOSIS. Identifiers: Orphanet 952, MedGen C0457013, MONDO:0008673, OMIM 193530.

Submission:

Labcorp Genetics (formerly Invitae), Labcorp
Classification: Pathogenic for Curry-Hall syndrome; Ellis-van Creveld syndrome. Last evaluated: 2019-11-29. Review status: criteria provided, single submitter. Criteria: Invitae Variant Classification Sherloc (09022015). Collection method: clinical testing. Allele origin: germline.
Comment: Loss-of-function variants in EVC are known to be pathogenic (PMID: 23220543). For these reasons, this variant has been classified as Pathogenic. This variant has not been reported in the literature in individuals with EVC-related conditions. This variant is not present in population databases (ExAC no frequency). This sequence change creates a premature translational stop signal (p.Lys301Asnfs*6) in the EVC gene. It is expected to result in an absent or disrupted protein product.

Literature cited by the submitters: PubMed 23220543.

NM_153717.3(EVC):c.903_909delinsTC (p.Lys301fs)

Gene: EVC (EvC ciliary complex subunit 1; plus strand). Cytogenetic location: 4p16.2.
Variant type: Indel.
Coding change: c.903_909delinsTC on transcript NM_153717.3 (MANE Select); coding-DNA positions 903 to 909, GAAGGAG replaced by TC.
Protein change: p.Lys301fs; shifts the reading frame from lysine 301.
Molecular consequence: frameshift variant.
Genome position (GRCh38, 1-based): chr4:5,745,305-5,745,311, GAAGGAG replaced by TC. VCF-style: chr4-5745305-GAAGGAG-TC. GRCh37 (hg19) VCF-style: chr4-5747032-GAAGGAG-TC.
Other names: c.903_909delinsTC, p.Lys301fs (NM_001306090.2, NM_001306092.2); short protein forms K301fs.
Identifiers: ClinVar variation 971987 (VCV000971987.7), dbSNP rs1729197529, ClinGen allele CA1139658430.